The following is an entry in ClinVar:

NM_000038.6(APC):c.4171A>G (p.Ser1391Gly)

Gene: APC (APC regulator of Wnt signaling pathway; plus strand). Cytogenetic location: 5q22.2.
Variant type: single nucleotide variant.
Coding change: c.4171A>G on transcript NM_000038.6 (MANE Select); coding-DNA position 4171, A replaced by G.
Protein change: p.Ser1391Gly; replaces serine 1391 with glycine.
Molecular consequence: missense variant.
Genome position (GRCh38, 1-based): chr5:112,839,765, A>G. VCF-style: chr5-112839765-A-G. GRCh37 (hg19) VCF-style: chr5-112175462-A-G.
Other names: c.4171A>G, p.Ser1391Gly (NM_001127510.3, NM_001354895.2); c.4117A>G, p.Ser1373Gly (NM_001127511.3); c.4225A>G, p.Ser1409Gly (NM_001354896.2); c.4201A>G, p.Ser1401Gly (NM_001354897.2); c.4096A>G, p.Ser1366Gly (NM_001354898.2); c.4087A>G, p.Ser1363Gly (NM_001354899.2); c.4048A>G, p.Ser1350Gly (NM_001354900.2); c.3994A>G, p.Ser1332Gly (NM_001354901.2); and 5 more; short protein forms S1373G, S1391G, S1290G, S1363G, S1401G, S1265G, S1332G, S1350G.
Identifiers: ClinVar variation 141622 (VCV000141622.14), dbSNP rs587781885, ClinGen allele CA008921.

ClinVar aggregate classification (germline): Uncertain significance. Review status: criteria provided, multiple submitters, no conflicts (2 of 4 stars). 2 submissions from 2 submitters: Uncertain significance (2). Last evaluated 2024-06-04.

Conditions:
Hereditary cancer-predisposing syndrome. Also called: Neoplastic Syndromes, Hereditary; Tumor predisposition; Hereditary Cancer Syndrome; Hereditary neoplastic syndrome. Identifiers: Orphanet 140162, MedGen C0027672, MeSH D009386, MONDO:0015356.
Familial adenomatous polyposis 1 (FAP1). Also called: FAMILIAL ADENOMATOUS POLYPOSIS 1, ATTENUATED; POLYPOSIS, ADENOMATOUS INTESTINAL. Identifiers: MedGen C2713442, MONDO:0021056, OMIM 175100. Disease mechanism: loss of function.

Submissions (2):

Labcorp Genetics (formerly Invitae), Labcorp
Classification: Uncertain significance for Familial adenomatous polyposis 1. Last evaluated: 2024-06-04. Review status: criteria provided, single submitter. Criteria: Invitae Variant Classification Sherloc (09022015). Collection method: clinical testing. Allele origin: germline.
Comment: This sequence change replaces serine, which is neutral and polar, with glycine, which is neutral and non-polar, at codon 1391 of the APC protein (p.Ser1391Gly). This variant is not present in population databases (gnomAD no frequency). This variant has not been reported in the literature in individuals affected with APC-related conditions. ClinVar contains an entry for this variant (Variation ID: 141622). Advanced modeling of protein sequence and biophysical properties (such as structural, functional, and spatial information, amino acid conservation, physicochemical variation, residue mobility, and thermodynamic stability) performed at Invitae indicates that this missense variant is not expected to disrupt APC protein function with a negative predictive value of 95%. In summary, the available evidence is currently insufficient to determine the role of this variant in disease. Therefore, it has been classified as a Variant of Uncertain Significance.

Ambry Genetics
Classification: Uncertain significance for Hereditary cancer-predisposing syndrome. Last evaluated: 2014-03-06. Review status: criteria provided, single submitter. Criteria: Ambry Autosomal Dominant and X-Linked criteria (10/2015). Collection method: clinical testing. Allele origin: germline. Observed: 1 variant allele.
Comment: The p.S1391G variant (also known as c.4171A>G), located in coding exon 15 of the APC gene, results from an A to G substitution at nucleotide position 4171. The serine at codon 1391 is replaced by glycine, an amino acid with similar properties. This variant was not reported in population based cohorts in the following databases: Database of Single Nucleotide Polymorphisms (dbSNP), NHLBI Exome Sequencing Project (ESP), and 1000 Genomes Project. To date, this alteration has been detected with an allele frequency of approximately 0.01% (greater than 7600 alleles tested) in our clinical cohort (includes this individual). This amino acid position is highly conserved in available vertebrate species. In addition, this alteration is predicted to be probably damaging and deleterious by PolyPhen and SIFT in silico analyses, respectively. Since supporting evidence is limited at this time, the clinical significance of p.S1391G remains unclear.